The following is an entry in ClinVar:

ClinVar aggregate classification (germline): Benign (1 of 4 stars; one submission).

Conditions:
Von Hippel-Lindau syndrome (VHLS). Also called: Von Hippel-Lindau; von Hippel–Lindau syndrome; VHL syndrome. Identifiers: Orphanet 892, MedGen C0019562, MONDO:0008667, OMIM 193300. Disease mechanism: loss of function.

Allele frequency attached by ClinVar (database versions not stated): 1000 Genomes Project 0.00200; 1000 Genomes Project 30x 0.00281; TOPMed 0.00312; gnomAD 0.00352 and 0.00353.

Submission:

Illumina Laboratory Services, Illumina
Classification: Benign for Von Hippel-Lindau syndrome. Last evaluated: 2018-01-12. Review status: criteria provided, single submitter. Criteria: ICSL Variant Classification Criteria 13 December 2019. Collection method: clinical testing. Allele origin: germline.
Comment: This variant was observed in the ICSL laboratory as part of a predisposition screen in an ostensibly healthy population. It had not been previously curated by ICSL or reported in the Human Gene Mutation Database (HGMD: prior to June 1st, 2018), and was therefore a candidate for classification through an automated scoring system. Utilizing variant allele frequency, disease prevalence and penetrance estimates, and inheritance mode, an automated score was calculated to assess if this variant is too frequent to cause the disease. Based on the score and internal cut-off values, a variant classified as benign is not then subjected to further curation. The score for this variant resulted in a classification of benign for this disease.

NM_000551.4(VHL):c.*3603C>T

Genes: VHL (von Hippel-Lindau tumor suppressor; plus strand), LOC107303340 (3p25 von Hippel-Lindau tumor suppressor, E3 ubiquitin protein ligase Alu-mediated recombination region; plus strand). Cytogenetic location: 3p25.3.
Variant type: single nucleotide variant.
Coding change: c.*3603C>T on transcript NM_000551.4 (MANE Select); 3603 bases downstream of the stop codon, C replaced by T.
Molecular consequence: 3 prime UTR variant.
Genome position (GRCh38, 1-based): chr3:10,153,568, C>T. VCF-style: chr3-10153568-C-T. GRCh37 (hg19) VCF-style: chr3-10195252-C-T.
Other names: c.*3799C>T (NM_001354723.2); c.*3603C>T (NM_198156.3).
Identifiers: ClinVar variation 342509 (VCV000342509.5), dbSNP rs145137834, ClinGen allele CA10616725.